The following is an entry in ClinVar:

NM_032578.4(MYPN):c.2312A>G (p.Gln771Arg)

Gene: MYPN (myopalladin; plus strand). Cytogenetic location: 10q21.3.
Variant type: single nucleotide variant.
Coding change: c.2312A>G on transcript NM_032578.4 (MANE Select); coding-DNA position 2312, A replaced by G.
Protein change: p.Gln771Arg; replaces glutamine 771 with arginine.
Molecular consequence: missense variant. On other transcripts: non-coding transcript variant (2).
Genome position (GRCh38, 1-based): chr10:68,174,404, A>G. VCF-style: chr10-68174404-A-G. GRCh37 (hg19) VCF-style: chr10-69934161-A-G.
Other names: c.2312A>G, p.Gln771Arg (NM_001256267.2); c.1430A>G, p.Gln477Arg (NM_001256268.2); short protein forms Q771R, Q477R.
Identifiers: ClinVar variation 580703 (VCV000580703.11), dbSNP rs775112774, ClinGen allele CA5522769.
Genomic context (GRCh38, chr10:68,174,404, plus strand): 5'-CTCAAACTATTCAGAGGACAGTGAGCAAAGAAAGCCTCTTAGTGTCTCACCCCTCTGTGC[A>G]AACCAAATCTCCAGGAGGGCTTTCCATCCAAAATGAGCCACTCCCACCAGGCCCAACAGA-3'
Protein context (NP_115967.2, residues 761-781): ESLLVSHPSV[Gln771Arg]TKSPGGLSIQ

ClinVar aggregate classification (germline): Conflicting classifications of pathogenicity. Review status: criteria provided, conflicting classifications (1 of 4 stars). 2 submissions from 2 submitters: Uncertain significance (1); Likely benign (1). Last evaluated 2026-03-01.

Conditions:
Dilated cardiomyopathy 1KK (CMD1KK). Identifiers: Orphanet 154, Orphanet 75249, MedGen C3714995, MONDO:0014100, OMIM 615248.

Allele frequency attached by ClinVar (database versions not stated): TOPMed below 0.00001; ExAC 0.00001; gnomAD 0.00001; gnomAD exomes 0.00001.
gnomAD v4.1: 16 of 1,613,992 alleles (0.00099%); highest among the groups gnomAD compares: Admixed American, 0.0033%; no homozygotes.

Submissions (2):

CeGaT Center for Human Genetics Tuebingen
Classification: Likely benign. Last evaluated: 2026-03-01. Review status: criteria provided, single submitter. Criteria: CeGaT Center For Human Genetics Tuebingen Variant Classification Criteria Version 2. Collection method: clinical testing. Allele origin: germline. Affected: yes. Observed: 1 variant allele.
Comment: MYPN: BP4

Labcorp Genetics (formerly Invitae), Labcorp
Classification: Uncertain significance for Dilated cardiomyopathy 1KK. Last evaluated: 2024-08-15. Review status: criteria provided, single submitter. Criteria: Invitae Variant Classification Sherloc (09022015). Collection method: clinical testing. Allele origin: germline.
Comment: This sequence change replaces glutamine, which is neutral and polar, with arginine, which is basic and polar, at codon 771 of the MYPN protein (p.Gln771Arg). This variant is present in population databases (rs775112774, gnomAD 0.006%). This variant has not been reported in the literature in individuals affected with MYPN-related conditions. ClinVar contains an entry for this variant (Variation ID: 580703). An algorithm developed to predict the effect of missense changes on protein structure and function (PolyPhen-2) suggests that this variant¬†is likely to be tolerated. In summary, the available evidence is currently insufficient to determine the role of this variant in disease. Therefore, it has been classified as a Variant of Uncertain Significance.